The following is an entry in ClinVar:

ClinVar aggregate classification (germline): Uncertain significance (1 of 4 stars; one submission).

Conditions:
Hereditary cancer-predisposing syndrome. Also called: Neoplastic Syndromes, Hereditary; Hereditary Cancer Syndrome; Hereditary neoplastic syndrome; Tumor predisposition. Identifiers: Orphanet 140162, MedGen C0027672, MeSH D009386, MONDO:0015356.

Submission:

Ambry Genetics
Classification: Uncertain significance for Hereditary cancer-predisposing syndrome. Last evaluated: 2026-04-22. Review status: criteria provided, single submitter. Criteria: Ambry Variant Classification Scheme 2023. Collection method: clinical testing. Allele origin: germline.
Comment: The p.W113R variant (also known as c.337T>C), located in coding exon 3 of the FANCC gene, results from a T to C substitution at nucleotide position 337. The tryptophan at codon 113 is replaced by arginine, an amino acid with dissimilar properties. This amino acid position is conserved. In addition, this alteration is predicted to be deleterious by in silico analysis. Based on the available evidence, the clinical significance of this variant remains unclear.

NM_000136.3(FANCC):c.337T>C (p.Trp113Arg)

Gene: FANCC (FA complementation group C; minus strand). Cytogenetic location: 9q22.32.
Variant type: single nucleotide variant.
Coding change: c.337T>C on transcript NM_000136.3 (MANE Select); coding-DNA position 337, T replaced by C.
Protein change: p.Trp113Arg; replaces tryptophan 113 with arginine.
Molecular consequence: missense variant.
Genome position (GRCh38, 1-based): chr9:95,240,657, A>G on the plus strand (T>C on the coding strand, the complement: FANCC is on the minus strand). VCF-style: chr9-95240657-A-G. GRCh37 (hg19) VCF-style: chr9-98002939-A-G.
Other names: c.337T>C, p.Trp113Arg (NM_001243743.2, NM_001243744.2); short protein forms W113R.
Identifiers: ClinVar variation 4870948 (VCV004870948.1).